The following is an entry in ClinVar:

ClinVar aggregate classification (germline): Likely benign. Review status: criteria provided, single submitter (1 of 4 stars). 2 submissions from 2 submitters: Likely benign (1). 1 of the submissions does not count toward it. Last evaluated 2018-12-13.

Conditions:
TACR3-related disorder. Also called: TACR3-related condition.

Allele frequency attached by ClinVar (database versions not stated): ExAC 0.00003; gnomAD exomes 0.00003; TOPMed 0.00003; gnomAD 0.00004; ESP Exome Variant Server 0.00008.
gnomAD v4.1: 47 of 1,613,808 alleles (0.0029%); highest among the groups gnomAD compares: Middle Eastern, 0.099%; 1 homozygote.

Submissions (2):

Labcorp Genetics (formerly Invitae), Labcorp
Classification: Likely benign. Last evaluated: 2018-12-13. Review status: criteria provided, single submitter. Criteria: Invitae Variant Classification Sherloc (09022015). Collection method: clinical testing. Allele origin: germline.

PreventionGenetics, part of Exact Sciences
Classification: Likely benign for TACR3-related condition. Last evaluated: 2019-11-11. Review status: no assertion criteria provided. Collection method: clinical testing. Allele origin: germline. Not counted in ClinVar's aggregate classification.
Comment: This variant is classified as likely benign based on ACMG/AMP sequence variant interpretation guidelines (Richards et al. 2015 PMID: 25741868, with internal and published modifications).

NM_001059.3(TACR3):c.1167C>T (p.Thr389=)

Genes: TACR3 (tachykinin receptor 3; minus strand), TACR3-AS1 (TACR3 antisense RNA 1; plus strand). Cytogenetic location: 4q24.
Variant type: single nucleotide variant.
Coding change: c.1167C>T on transcript NM_001059.3 (MANE Select); coding-DNA position 1167, C replaced by T.
Protein change: p.Thr389=; no amino-acid change (threonine 389 retained).
Molecular consequence: synonymous variant.
Genome position (GRCh38, 1-based): chr4:103,589,913, G>A on the plus strand (C>T on the coding strand, the complement: TACR3 is on the minus strand). VCF-style: chr4-103589913-G-A. GRCh37 (hg19) VCF-style: chr4-104511070-G-A.
Identifiers: ClinVar variation 722739 (VCV000722739.5), dbSNP rs201473070, ClinGen allele CA3030941.
Genomic context (GRCh38, chr4:103,589,913, plus strand): 5'-CATGGACTCCATTCTGGTCACGGTGTACATACTGCTTTGCCGGTTTGGATGAAACCTGGT[G>A]GTCTTGAGCTCTAGCTCATCATAGCTGGAAACTTTGATGAAAGGACACCAGCGAAATGCT-3'
Protein context (NP_001050.1, residues 379-399): VSSYDELELK[Thr389=]TRFHPNRQSS